The following is an entry in ClinVar:

NM_020376.4(PNPLA2):c.787G>A (p.Ala263Thr)

Gene: PNPLA2 (patatin like domain 2, triacylglycerol lipase; plus strand). Cytogenetic location: 11p15.5.
Variant type: single nucleotide variant.
Coding change: c.787G>A on transcript NM_020376.4 (MANE Select); coding-DNA position 787, G replaced by A.
Protein change: p.Ala263Thr; replaces alanine 263 with threonine.
Molecular consequence: missense variant.
Genome position (GRCh38, 1-based): chr11:823,723, G>A. VCF-style: chr11-823723-G-A. GRCh37 (hg19) VCF-style: chr11-823723-G-A.
Other names: short protein forms A263T.
Identifiers: ClinVar variation 580047 (VCV000580047.10), dbSNP rs569211679, ClinGen allele CA378981178.

ClinVar aggregate classification (germline): Uncertain significance. Review status: criteria provided, multiple submitters, no conflicts (2 of 4 stars). 3 submissions from 3 submitters: Uncertain significance (3). Last evaluated 2023-12-07.

Conditions:
Neutral lipid storage myopathy (NLSDM). Also called: NEUTRAL LIPID STORAGE DISEASE WITHOUT ICHTHYOSIS. Identifiers: Orphanet 98908, MedGen C1853136, MONDO:0012545, OMIM 610717.

Allele frequency attached by ClinVar (database versions not stated): TOPMed 0.00002.

Submissions (3):

Labcorp Genetics (formerly Invitae), Labcorp
Classification: Uncertain significance for Neutral lipid storage myopathy. Last evaluated: 2023-12-07. Review status: criteria provided, single submitter. Criteria: Invitae Variant Classification Sherloc (09022015). Collection method: clinical testing. Allele origin: germline.
Comment: This sequence change replaces alanine, which is neutral and non-polar, with threonine, which is neutral and polar, at codon 263 of the PNPLA2 protein (p.Ala263Thr). This variant is present in population databases (no rsID available, gnomAD 0.02%). This variant has not been reported in the literature in individuals affected with PNPLA2-related conditions. ClinVar contains an entry for this variant (Variation ID: 580047). Advanced modeling of protein sequence and biophysical properties (such as structural, functional, and spatial information, amino acid conservation, physicochemical variation, residue mobility, and thermodynamic stability) performed at Invitae indicates that this missense variant is not expected to disrupt PNPLA2 protein function with a negative predictive value of 80%. In summary, the available evidence is currently insufficient to determine the role of this variant in disease. Therefore, it has been classified as a Variant of Uncertain Significance.

GeneDx
Classification: Uncertain significance. Last evaluated: 2022-06-16. Review status: criteria provided, single submitter. Criteria: GeneDx Variant Classification Process June 2021. Collection method: clinical testing. Allele origin: germline. Affected: yes.
Comment: Not observed at significant frequency in large population cohorts (gnomAD); In silico analysis supports that this missense variant does not alter protein structure/function; Has not been previously published as pathogenic or benign to our knowledge; In silico analysis suggests this variant may impact gene splicing. In the absence of RNA/functional studies, the actual effect of this sequence change is unknown

Revvity Omics, Revvity
Classification: Uncertain significance for Neutral lipid storage myopathy. Last evaluated: 2019-10-09. Review status: criteria provided, single submitter. Criteria: ACMG Guidelines, 2015. Collection method: clinical testing. Allele origin: germline.